The following is an entry in ClinVar:

ClinVar aggregate classification (germline): Uncertain significance. Review status: criteria provided, multiple submitters, no conflicts (2 of 4 stars). 2 submissions from 2 submitters: Uncertain significance (2). Last evaluated 2025-12-23.

Conditions:
MYO6-related disorder. Also called: MYO6-related disorders; MYO6-related condition.

gnomAD v4.1: 9 of 1,613,962 alleles (0.00056%); highest among the groups gnomAD compares: East Asian, 0.0045%; no homozygotes.

Submissions (2):

PreventionGenetics, part of Exact Sciences
Classification: Uncertain significance for MYO6-related condition. Last evaluated: 2025-12-23. Review status: criteria provided, single submitter. Criteria: ACMG Guidelines, 2015. Collection method: clinical testing. Allele origin: germline.
Comment: The MYO6 c.2354A>G variant is predicted to result in the amino acid substitution p.Asn785Ser. To our knowledge, this variant has not been reported in the literature or in a large population database (gnomAD), indicating this variant is rare. At this time, the clinical significance of this variant is uncertain due to the absence of conclusive functional and genetic evidence.

Labcorp Genetics (formerly Invitae), Labcorp
Classification: Uncertain significance. Last evaluated: 2025-07-31. Review status: criteria provided, single submitter. Criteria: Invitae Variant Classification Sherloc (09022015). Collection method: clinical testing. Allele origin: germline.
Comment: This sequence change replaces asparagine, which is neutral and polar, with serine, which is neutral and polar, at codon 785 of the MYO6 protein (p.Asn785Ser). This variant is not present in population databases (gnomAD no frequency). This variant has not been reported in the literature in individuals affected with MYO6-related conditions. Invitae Evidence Modeling of protein sequence and biophysical properties (such as structural, functional, and spatial information, amino acid conservation, physicochemical variation, residue mobility, and thermodynamic stability) indicates that this missense variant is not expected to disrupt MYO6 protein function with a negative predictive value of 80%. In summary, the available evidence is currently insufficient to determine the role of this variant in disease. Therefore, it has been classified as a Variant of Uncertain Significance.

NM_004999.4(MYO6):c.2354A>G (p.Asn785Ser)

Gene: MYO6 (myosin VI; plus strand). Cytogenetic location: 6q14.1.
Variant type: single nucleotide variant.
Coding change: c.2354A>G on transcript NM_004999.4 (MANE Select); coding-DNA position 2354, A replaced by G.
Protein change: p.Asn785Ser; replaces asparagine 785 with serine.
Molecular consequence: missense variant. On other transcripts: non-coding transcript variant (1).
Genome position (GRCh38, 1-based): chr6:75,881,756, A>G. VCF-style: chr6-75881756-A-G. GRCh37 (hg19) VCF-style: chr6-76591473-A-G.
Other names: c.2354A>G, p.Asn785Ser (NM_001300899.2, NM_001368136.1, NM_001368137.1 and 2 more transcripts); c.2339A>G, p.Asn780Ser (NM_001368138.1); c.2354A>G (NM_004999.3); short protein forms N780S, N785S.
Identifiers: ClinVar variation 4763532 (VCV004763532.2).
Genomic context (GRCh38, chr6:75,881,756, plus strand): 5'-AATTTGATCAGATCATGAAGTCTGACCCTGACCACTTAGCAGAGTTGGTTAAAAGAGTCA[A>G]TCACTGGCTCACATGCAGTCGCTGGAAGAAAGTTCAGTGGTGCTCACTCTCAGTCATCAA-3'
Protein context (NP_004990.3, residues 775-795): DHLAELVKRV[Asn785Ser]HWLTCSRWKK